The following is an entry in ClinVar:

NM_138425.4(C12orf57):c.56T>C (p.Val19Ala)

Gene: C12orf57 (chromosome 12 open reading frame 57; plus strand). Cytogenetic location: 12p13.31.
Variant type: single nucleotide variant.
Coding change: c.56T>C on transcript NM_138425.4 (MANE Select); coding-DNA position 56, T replaced by C.
Protein change: p.Val19Ala; replaces valine 19 with alanine.
Molecular consequence: missense variant. On other transcripts: 5 prime UTR variant (1), non-coding transcript variant (1).
Genome position (GRCh38, 1-based): chr12:6,944,479, T>C. VCF-style: chr12-6944479-T-C. GRCh37 (hg19) VCF-style: chr12-7053642-T-C.
Other names: c.56T>C, p.Val19Ala (NM_001301834.1, NM_001301837.2); c.17T>C, p.Val6Ala (NM_001301836.2); c.-50T>C (NM_001301838.2); short protein forms V19A, V6A.
Identifiers: ClinVar variation 571882 (VCV000571882.7), dbSNP rs1565574736, ClinGen allele CA383744303.

ClinVar aggregate classification (germline): Uncertain significance (1 of 4 stars; one submission).

Conditions:
Temtamy syndrome (TEMTYS). Also called: MENTAL RETARDATION WITH OR WITHOUT CRANIOFACIAL DYSMORPHISM, OCULAR COLOBOMA, OR ABNORMAL CORPUS CALLOSUM. Identifiers: Orphanet 1777, MedGen C1857512, MONDO:0009033, OMIM 218340.

Allele frequency attached by ClinVar (database versions not stated): gnomAD exomes below 0.00001.
gnomAD v4.1: 2 of 1,611,906 alleles (0.00012%); highest among the groups gnomAD compares: Non-Finnish European, 0.000085%; no homozygotes.

Submission:

Labcorp Genetics (formerly Invitae), Labcorp
Classification: Uncertain significance for Temtamy syndrome. Last evaluated: 2018-01-05. Review status: criteria provided, single submitter. Criteria: Invitae Variant Classification Sherloc (09022015). Collection method: clinical testing. Allele origin: germline.
Comment: In summary, the available evidence is currently insufficient to determine the role of this variant in disease. Therefore, it has been classified as a Variant of Uncertain Significance. Algorithms developed to predict the effect of missense changes on protein structure and function (SIFT, PolyPhen-2, Align-GVGD) all suggest that this variant is likely to be tolerated, but these predictions have not been confirmed by published functional studies and their clinical significance is uncertain. This variant has not been reported in the literature in individuals with C12orf57-related disease. This variant is not present in population databases (ExAC no frequency). This sequence change replaces valine with alanine at codon 19 of the C12orf57 protein (p.Val19Ala). The valine residue is highly conserved and there is a small physicochemical difference between valine and alanine.